The following is an entry in ClinVar:

NM_000548.5(TSC2):c.487T>A (p.Phe163Ile)

Gene: TSC2 (TSC complex subunit 2; plus strand). Cytogenetic location: 16p13.3.
Variant type: single nucleotide variant.
Coding change: c.487T>A on transcript NM_000548.5 (MANE Select); coding-DNA position 487, T replaced by A.
Protein change: p.Phe163Ile; replaces phenylalanine 163 with isoleucine.
Molecular consequence: missense variant. On other transcripts: 5 prime UTR variant (13), non-coding transcript variant (5), intron variant (7).
Genome position (GRCh38, 1-based): chr16:2,055,407, T>A. VCF-style: chr16-2055407-T-A. GRCh37 (hg19) VCF-style: chr16-2105408-T-A.
Other names: c.577T>A, p.Phe193Ile (NM_001406667.1, NM_001406668.1); c.376T>A, p.Phe126Ile (NM_001406670.1, NM_001406678.1, NM_001318827.2); c.487T>A, p.Phe163Ile (NM_001406671.1, NM_001406673.1, NM_021055.3 and 8 more transcripts); c.340T>A, p.Phe114Ile (NM_001406675.1, NM_001406676.1, NM_001406679.1 and 1 more transcripts); c.430T>A, p.Phe144Ile (NM_001406677.1); c.-330T>A (NM_001406680.1, NM_001406683.1, NM_001406687.1); c.-945T>A (NM_001406689.1, NM_001406690.1, NM_001406691.1 and 2 more transcripts); c.-1161T>A (NM_001406693.1); and 6 more; short protein forms F174I, F144I, F114I, F126I, F163I, F193I.
Identifiers: ClinVar variation 2757947 (VCV002757947.3), dbSNP rs2548433174, ClinGen allele CA394309058.

ClinVar aggregate classification (germline): Uncertain significance (1 of 4 stars; one submission).

Conditions:
Tuberous sclerosis 2 (TSC2). Identifiers: Orphanet 805, MedGen C1860707, MONDO:0013199, OMIM 613254.

Allele frequency attached by ClinVar (database versions not stated): gnomAD exomes below 0.00001.
gnomAD v4.1: 1 of 1,614,132 alleles (0.000062%); highest among the groups gnomAD compares: Non-Finnish European, 0.000085%; no homozygotes.

Submission:

Labcorp Genetics (formerly Invitae), Labcorp
Classification: Uncertain significance for Tuberous sclerosis 2. Last evaluated: 2023-11-06. Review status: criteria provided, single submitter. Criteria: Invitae Variant Classification Sherloc (09022015). Collection method: clinical testing. Allele origin: germline.
Comment: This sequence change replaces phenylalanine, which is neutral and non-polar, with isoleucine, which is neutral and non-polar, at codon 163 of the TSC2 protein (p.Phe163Ile). This variant is not present in population databases (gnomAD no frequency). This variant has not been reported in the literature in individuals affected with TSC2-related conditions. Advanced modeling of protein sequence and biophysical properties (such as structural, functional, and spatial information, amino acid conservation, physicochemical variation, residue mobility, and thermodynamic stability) performed at Invitae indicates that this missense variant is not expected to disrupt TSC2 protein function with a negative predictive value of 95%. In summary, the available evidence is currently insufficient to determine the role of this variant in disease. Therefore, it has been classified as a Variant of Uncertain Significance.